The following is an entry in ClinVar:

NM_005585.5(SMAD6):c.646G>A (p.Gly216Ser)

Gene: SMAD6 (SMAD family member 6; plus strand). Cytogenetic location: 15q22.31.
Variant type: single nucleotide variant.
Coding change: c.646G>A on transcript NM_005585.5 (MANE Select); coding-DNA position 646, G replaced by A.
Protein change: p.Gly216Ser; replaces glycine 216 with serine.
Molecular consequence: missense variant. On other transcripts: non-coding transcript variant (1).
Genome position (GRCh38, 1-based): chr15:66,703,904, G>A. VCF-style: chr15-66703904-G-A. GRCh37 (hg19) VCF-style: chr15-66996242-G-A.
Other names: short protein forms G216S.
Identifiers: ClinVar variation 3224801 (VCV003224801.1), dbSNP rs1356463607, ClinGen allele CA392949959.
Genomic context (GRCh38, chr15:66,703,904, plus strand): 5'-GAGTCCCGCGGCGGCGTGCCGGGCGGCTGCGTGCTGGTGCCGCGCGCCGACCTCCGCCTG[G>A]GCGGCCAGCCCGCGCCGCCGCAGCTGCTGCTCGGCCGCCTCTTTCGCTGGCCCGACCTGC-3'
Protein context (NP_005576.3, residues 206-226): VLVPRADLRL[Gly216Ser]GQPAPPQLLL

ClinVar aggregate classification (germline): Uncertain significance (1 of 4 stars; one submission).

Conditions:
Inborn genetic diseases. Identifiers: MedGen C0950123, MeSH D030342.

Allele frequency attached by ClinVar (database versions not stated): TOPMed below 0.00001; gnomAD 0.00001.

Submission:

Ambry Genetics
Classification: Uncertain significance for Inborn genetic diseases. Last evaluated: 2023-12-21. Review status: criteria provided, single submitter. Criteria: Ambry Variant Classification Scheme 2023. Collection method: clinical testing. Allele origin: germline.
Comment: The p.G216S variant (also known as c.646G>A), located in coding exon 1 of the SMAD6 gene, results from a G to A substitution at nucleotide position 646. The glycine at codon 216 is replaced by serine, an amino acid with similar properties. This amino acid position is conserved. In addition, this alteration is predicted to be tolerated by in silico analysis. Since supporting evidence is limited at this time, the clinical significance of this alteration remains unclear.